The following is an entry in ClinVar:

NM_000257.4(MYH7):c.222C>A (p.Asp74Glu)

Gene: MYH7 (myosin heavy chain 7; minus strand). Cytogenetic location: 14q11.2.
Variant type: single nucleotide variant.
Coding change: c.222C>A on transcript NM_000257.4 (MANE Select); coding-DNA position 222, C replaced by A.
Protein change: p.Asp74Glu; replaces aspartic acid 74 with glutamic acid.
Molecular consequence: missense variant.
Genome position (GRCh38, 1-based): chr14:23,433,207, G>T on the plus strand (C>A on the coding strand, the complement: MYH7 is on the minus strand). VCF-style: chr14-23433207-G-T. GRCh37 (hg19) VCF-style: chr14-23902416-G-T.
Other names: c.222C>A, p.Asp74Glu (NM_001407004.1); short protein forms D74E.
Identifiers: ClinVar variation 1898453 (VCV001898453.5), dbSNP rs763193107, ClinGen allele CA389053462.

ClinVar aggregate classification (germline): Uncertain significance (1 of 4 stars; one submission).

Conditions:
Hypertrophic cardiomyopathy. Also called: HYPERTROPHIC MYOCARDIOPATHY. Identifiers: Orphanet 217569, MedGen C0007194, MeSH D002312, MONDO:0005045, HP:0001639.

Submission:

Labcorp Genetics (formerly Invitae), Labcorp
Classification: Uncertain significance for Hypertrophic cardiomyopathy. Last evaluated: 2022-02-20. Review status: criteria provided, single submitter. Criteria: Invitae Variant Classification Sherloc (09022015). Collection method: clinical testing. Allele origin: germline.
Comment: In summary, the available evidence is currently insufficient to determine the role of this variant in disease. Therefore, it has been classified as a Variant of Uncertain Significance. Algorithms developed to predict the effect of missense changes on protein structure and function output the following: SIFT: "Tolerated"; PolyPhen-2: "Benign"; Align-GVGD: "Class C0". The glutamic acid amino acid residue is found in multiple mammalian species, which suggests that this missense change does not adversely affect protein function. This variant has not been reported in the literature in individuals affected with MYH7-related conditions. This variant is not present in population databases (gnomAD no frequency). This sequence change replaces aspartic acid, which is acidic and polar, with glutamic acid, which is acidic and polar, at codon 74 of the MYH7 protein (p.Asp74Glu).